The following is an entry in ClinVar:

NM_017849.4(TMEM127):c.575C>T (p.Ala192Val)

Gene: TMEM127 (transmembrane protein 127; minus strand). Cytogenetic location: 2q11.2.
Variant type: single nucleotide variant.
Coding change: c.575C>T on transcript NM_017849.4 (MANE Select); coding-DNA position 575, C replaced by T.
Protein change: p.Ala192Val; replaces alanine 192 with valine.
Molecular consequence: missense variant.
Genome position (GRCh38, 1-based): chr2:96,253,950, G>A on the plus strand (C>T on the coding strand, the complement: TMEM127 is on the minus strand). VCF-style: chr2-96253950-G-A. GRCh37 (hg19) VCF-style: chr2-96919688-G-A.
Other names: c.575C>T, p.Ala192Val (NM_001193304.3); c.323C>T, p.Ala108Val (NM_001407282.1, NM_001407283.1); short protein forms A192V, A108V.
Identifiers: ClinVar variation 2713797 (VCV002713797.3), dbSNP rs2104283914, ClinGen allele CA347652270.

ClinVar aggregate classification (germline): Uncertain significance (1 of 4 stars; one submission).

Conditions:
Hereditary pheochromocytoma and paraganglioma. Also called: Hereditary Paraganglioma-Pheochromocytoma Syndromes; Hereditary pheochromocytoma-paraganglioma; Hereditary paragangliomas and pheochromocytomas. Identifiers: Orphanet 29072, MedGen C4274332, MONDO:0017366.

Submission:

Labcorp Genetics (formerly Invitae), Labcorp
Classification: Uncertain significance for Hereditary pheochromocytoma and paraganglioma. Last evaluated: 2023-12-27. Review status: criteria provided, single submitter. Criteria: Invitae Variant Classification Sherloc (09022015). Collection method: clinical testing. Allele origin: germline.
Comment: This sequence change replaces alanine, which is neutral and non-polar, with valine, which is neutral and non-polar, at codon 192 of the TMEM127 protein (p.Ala192Val). This variant is not present in population databases (gnomAD no frequency). This variant has not been reported in the literature in individuals affected with TMEM127-related conditions. An algorithm developed to predict the effect of missense changes on protein structure and function (PolyPhen-2) suggests that this variant is likely to be disruptive. In summary, the available evidence is currently insufficient to determine the role of this variant in disease. Therefore, it has been classified as a Variant of Uncertain Significance.